The following is an entry in ClinVar:

NM_018089.3(ANKZF1):c.724C>T (p.Arg242Trp)

Gene: ANKZF1 (ankyrin repeat and zinc finger peptidyl tRNA hydrolase 1; plus strand). Cytogenetic location: 2q35.
Variant type: single nucleotide variant.
Coding change: c.724C>T on transcript NM_018089.3 (MANE Select); coding-DNA position 724, C replaced by T.
Protein change: p.Arg242Trp; replaces arginine 242 with tryptophan.
Molecular consequence: missense variant.
Genome position (GRCh38, 1-based): chr2:219,233,338, C>T. VCF-style: chr2-219233338-C-T. GRCh37 (hg19) VCF-style: chr2-220098060-C-T.
Other names: c.724C>T, p.Arg242Trp (NM_001042410.2); c.94C>T, p.Arg32Trp (NM_001282792.2); c.724C>T (NM_018089.2); short protein forms R242W, R32W.
Identifiers: ClinVar variation 1437807 (VCV001437807.10), dbSNP rs374716315, ClinGen allele CA2120846.

ClinVar aggregate classification (germline): Uncertain significance. Review status: criteria provided, multiple submitters, no conflicts (2 of 4 stars). 2 submissions from 2 submitters: Uncertain significance (2). Last evaluated 2025-11-05.

Allele frequency attached by ClinVar (database versions not stated): gnomAD exomes 0.00004 and 0.00016; ExAC 0.00008; gnomAD 0.00009; TOPMed 0.00011; ESP Exome Variant Server 0.00016.

Submissions (2):

Labcorp Genetics (formerly Invitae), Labcorp
Classification: Uncertain significance. Last evaluated: 2025-11-05. Review status: criteria provided, single submitter. Criteria: Invitae Variant Classification Sherloc (09022015). Collection method: clinical testing. Allele origin: germline.
Comment: This sequence change replaces arginine, which is basic and polar, with tryptophan, which is neutral and slightly polar, at codon 242 of the ANKZF1 protein (p.Arg242Trp). This variant is present in population databases (rs374716315, gnomAD 0.1%), and has an allele count higher than expected for a pathogenic variant. This variant has not been reported in the literature in individuals affected with ANKZF1-related conditions. ClinVar contains an entry for this variant (Variation ID: 1437807). An algorithm developed to predict the effect of missense changes on protein structure and function outputs the following: PolyPhen-2: "Benign". The tryptophan amino acid residue is found in multiple mammalian species, which suggests that this missense change does not adversely affect protein function. In summary, the available evidence is currently insufficient to determine the role of this variant in disease. Therefore, it has been classified as a Variant of Uncertain Significance.

Ambry Genetics
Classification: Uncertain significance. Last evaluated: 2025-06-04. Review status: criteria provided, single submitter. Criteria: Ambry Variant Classification Scheme 2023. Collection method: clinical testing. Allele origin: germline.